The following is an entry in ClinVar:

NM_000540.3(RYR1):c.7027G>A (p.Gly2343Ser)

Gene: RYR1 (ryanodine receptor 1; plus strand). Cytogenetic location: 19q13.2.
Variant type: single nucleotide variant.
Coding change: c.7027G>A on transcript NM_000540.3 (MANE Select); coding-DNA position 7027, G replaced by A.
Protein change: p.Gly2343Ser; replaces glycine 2343 with serine.
Molecular consequence: missense variant.
Genome position (GRCh38, 1-based): chr19:38,499,243, G>A. VCF-style: chr19-38499243-G-A. GRCh37 (hg19) VCF-style: chr19-38989883-G-A.
Other names: c.7027G>A, p.Gly2343Ser (NM_001042723.2); short protein forms G2343S.
Identifiers: ClinVar variation 544443 (VCV000544443.16), dbSNP rs536596969, ClinGen allele CA069011.

ClinVar aggregate classification (germline): Conflicting classifications of pathogenicity. Review status: criteria provided, conflicting classifications (1 of 4 stars). 9 submissions from 9 submitters: Pathogenic (1); Likely pathogenic (5); Uncertain significance (3). Last evaluated 2025-12-12.

Conditions:
Centronuclear myopathy (CNM). Also called: Centronuclear myopathy, congenital; Myotubular myopathy. Identifiers: Orphanet 595, MedGen C0175709, MONDO:0018947. Inheritance: All.
RYR1-related disorder. Also called: RYR1-related condition; RYR1-related disorders. Identifiers: MedGen CN239331.
Central core myopathy (CMYO1A). Also called: Central core disease; Myopathy, central fibrillar; CONGENITAL MYOPATHY 1A, AUTOSOMAL DOMINANT, WITH SUSCEPTIBILITY TO MALIGNANT HYPERTHERMIA. Identifiers: Orphanet 597, MedGen C5830701, MONDO:0007294, OMIM 117000.
Congenital multicore myopathy with external ophthalmoplegia (CMYO1B). Also called: Minicore myopathy with external ophthalmoplegia; MULTICORE MYOPATHY; Congenital myopathy 1B, autosomal recessive; Minicore myopathy; MULTIMINICORE DISEASE WITH EXTERNAL OPHTHALMOPLEGIA. Identifiers: Orphanet 598, Orphanet 98905, MedGen C1850674, MONDO:0009712, OMIM 255320, HP:0003789.
Malignant hyperthermia, susceptibility to, 1 (MHS1). Also called: RYR1-Related Malignant Hyperthermia Susceptibility; Anesthesia related hyperthermia; Malignant hyperpyrexia; Fulminating hyperpyrexia; Pharmacogenic myopathy; Malignant hyperthermia suceptibility 1. Identifiers: Orphanet 423, MedGen C2930980, MONDO:0007783, OMIM 145600.

Allele frequency attached by ClinVar (database versions not stated): gnomAD 0.00001; gnomAD exomes 0.00002; TOPMed 0.00002; 1000 Genomes Project 30x 0.00016; 1000 Genomes Project 0.00020; ExAC 0.00005.
gnomAD v4.1: 21 of 1,614,186 alleles (0.0013%); highest among the groups gnomAD compares: East Asian, 0.0045%; no homozygotes.

Submissions (9):

Women's Health and Genetics/Laboratory Corporation of America, LabCorp
Classification: Likely pathogenic for Congenital multicore myopathy with external ophthalmoplegia. Last evaluated: 2025-12-12. Review status: criteria provided, single submitter. Criteria: LabCorp Variant Classification Summary - May 2015. Collection method: clinical testing. Allele origin: germline.
Comment: Variant summary: RYR1 c.7027G>A (p.Gly2343Ser) results in a non-conservative amino acid change in the encoded protein sequence. Algorithms developed to predict the effect of missense changes on protein structure and function all suggest that this variant is likely to be disruptive. Several computational tools predict a significant impact on normal splicing: Two predict the variant abolishes a 5' splicing donor site. Two predict the variant weakens a 5' donor site. Four predict the variant creates a 3' acceptor site. However, these predictions have yet to be confirmed by functional studies. The variant allele was found at a frequency of 2.4e-05 in 251352 control chromosomes. c.7027G>A has been observed in the presumed or confirmed compound heterozygous state (or occasionally with a third variant) in multiple individual(s) affected with autosomal recessive centronuclear myopathy and/or clinical features of autosomal recessive Congenital Multicore Myopathy With External Ophthalmoplegia (example, de Feraudy_2024, Neto_2017, Natera-de Benito_2021, Barbosa-Gouveia_2022, Samoes_2017, Cotta_2022). These data indicate that the variant is likely to be associated with disease. To our knowledge, no experimental evidence demonstrating an impact on protein function has been reported. The following publications have been ascertained in the context of this evaluation (PMID: 38982518, 28818389, 33333461, 38162159, 35628876, 28269792, 25642631, 35627144). The following publications have been ascertained in the context of this evaluation (PMID: 38982518, 28818389, 33333461, 38162159, 35628876, 28269792, 25642631, 35627144). ClinVar contains an entry for this variant (Variation ID: 544443). To our knowledge, this variant has not been reported in individuals with autosomal dominant RYR1-related conditions. Based on the evidence outlined above, the variant was classified as likely pathogenic for autosomal recessive centronuclear myopathy and/or Congenital Multicore Myopathy With External Ophthalmoplegia.

Color Diagnostics, LLC DBA Color Health
Classification: Uncertain significance for Malignant hyperthermia, susceptibility to, 1. Last evaluated: 2025-05-30. Review status: criteria provided, single submitter. Criteria: ACMG Guidelines, 2015. Collection method: clinical testing. Allele origin: germline.
Comment: This missense variant replaces glycine with serine at codon 2343 of the RYR1 protein. To our knowledge, functional studies have not been reported for this variant. This variant has not been reported in individuals affected with autosomal dominant malignant hyperthermia in the literature, although it is associated with other phenotype(s) (ClinVar variation ID: 544443). This variant has been identified in 8/282734 chromosomes in the general population by the Genome Aggregation Database (gnomAD). Due to insufficient evidence, this variant is classified as a Variant of Uncertain Significance for autosomal dominant malignant hyperthermia.

Labcorp Genetics (formerly Invitae), Labcorp
Classification: Uncertain significance for RYR1-related disorder. Last evaluated: 2025-05-05. Review status: criteria provided, single submitter. Criteria: Invitae Variant Classification Sherloc (09022015). Collection method: clinical testing. Allele origin: germline.
Comment: This sequence change replaces glycine, which is neutral and non-polar, with serine, which is neutral and polar, at codon 2343 of the RYR1 protein (p.Gly2343Ser). This variant also falls at the last nucleotide of exon 43, which is part of the consensus splice site for this exon. This variant is present in population databases (rs536596969, gnomAD 0.005%). This missense change has been observed in individuals with autosomal recessive RYR1-related conditions (PMID: 28269792, 28818389, 33333461). ClinVar contains an entry for this variant (Variation ID: 544443). An algorithm developed to predict the effect of missense changes on protein structure and function (PolyPhen-2) suggests that this variant is likely to be tolerated. Variants that disrupt the consensus splice site are a relatively common cause of aberrant splicing (PMID: 17576681, 9536098). Algorithms developed to predict the effect of sequence changes on RNA splicing suggest that this variant may disrupt the consensus splice site. In summary, the available evidence is currently insufficient to determine the role of this variant in disease. Therefore, it has been classified as a Variant of Uncertain Significance.

Genetics Department, Hospital De La Santa Creu I Sant Pau
Classification: Likely pathogenic for Congenital multicore myopathy with external ophthalmoplegia. Last evaluated: 2024-11-13. Review status: criteria provided, single submitter. Criteria: ACMG Guidelines, 2015. Collection method: clinical testing, in vivo. Allele origin: germline. Affected: yes. Functional consequence: splicing_variant.
Comment: Criteria applied: PM2, PP2, PS3 (Richards et al, 2015)

GeneDx
Classification: Likely pathogenic. Last evaluated: 2024-10-20. Review status: criteria provided, single submitter. Criteria: GeneDx Variant Classification Process June 2021. Collection method: clinical testing. Allele origin: germline. Affected: yes.
Comment: Not observed at significant frequency in large population cohorts (gnomAD); In silico analysis suggests this variant may impact gene splicing. In the absence of RNA/functional studies, the actual effect of this sequence change is unknown.; In silico analysis supports that this missense variant has a deleterious effect on protein structure/function; This variant is associated with the following publications: (PMID: 28269792, 28818389, 35627144, 33333461, 12668474, 33767344, 38982518)

Dasa
Classification: Pathogenic. Last evaluated: 2024-09-16. Review status: criteria provided, single submitter. Criteria: DASA Assertion Criteria. Collection method: clinical testing. Allele origin: germline.
Comment: NM_000540.3(RYR1):c.7027G>A (p.Gly2343Ser) is a missense variant that results in the substitution of glycine with serine. This variant has been recurrently observed in individuals with related phenotype (PMID: 33333461; PMID: 28818389; PMID: 33767344). Multiple computational predictions support a deleterious effect on the gene or gene product. The variant is present at low frequency in population datasets. Based on the available data, this variant is classified as pathogenic.

Muscle and Diseases Team, Institut de Génétique et Biologie Moléculaire et Cellulaire
Classification: Likely pathogenic for Centronuclear myopathy. Last evaluated: 2024-03-01. Review status: criteria provided, single submitter. Criteria: ACMG Guidelines, 2015. Collection method: research. Allele origin: unknown. Affected: yes. Observed: 1 variant allele.
Comment: PM2+PM3+PP2+PP3

All of Us Research Program, National Institutes of Health
Classification: Uncertain significance for Malignant hyperthermia, susceptibility to, 1. Last evaluated: 2024-01-11. Review status: criteria provided, single submitter. Criteria: ACMG Guidelines, 2015. Collection method: clinical testing. Allele origin: germline. Inheritance: Autosomal dominant inheritance. Observed: 2 variant alleles, 2 heterozygotes.
Comment: This study involves interpretation of variants in research participants for the purpose of population health screening. Participant phenotype was not available at the time of variant classification. Additional details can be found in publication PMID: 35346344, PMCID: PMC8962531

NeuroMeGen, Hospital Clinico Santiago de Compostela
Classification: Likely pathogenic for Central core myopathy. Last evaluated: 2018-10-08. Review status: criteria provided, single submitter. Criteria: ACMG Guidelines, 2015. Collection method: clinical testing. Allele origin: unknown. Affected: yes. Observed: 1 heterozygote.

Literature cited by the submitters: PubMed 33333461 (cited by 3 submitters); PubMed 35628876 (cited by Women's Health and Genetics/Laboratory Corporation of America, LabCorp); PubMed 28818389 (cited by 3 submitters); PubMed 38982518 (cited by Women's Health and Genetics/Laboratory Corporation of America, LabCorp); PubMed 38162159 (cited by Women's Health and Genetics/Laboratory Corporation of America, LabCorp); PubMed 25642631 (cited by Women's Health and Genetics/Laboratory Corporation of America, LabCorp); PubMed 35627144 (cited by Women's Health and Genetics/Laboratory Corporation of America, LabCorp); PubMed 28269792 (cited by Women's Health and Genetics/Laboratory Corporation of America, LabCorp and Labcorp Genetics (formerly Invitae), Labcorp); PubMed 17576681 (cited by Labcorp Genetics (formerly Invitae), Labcorp); PubMed 9536098 (cited by Labcorp Genetics (formerly Invitae), Labcorp); PubMed 33767344 (cited by Dasa); DOI 10.1186/s13073-024-01353-0 (cited by Muscle and Diseases Team, Institut de Génétique et Biologie Moléculaire et Cellulaire).